The following is an entry in ClinVar:

NM_001365951.3(KIF1B):c.4543C>A (p.Arg1515Ser)

Gene: KIF1B (kinesin family member 1B; plus strand). Cytogenetic location: 1p36.22.
Variant type: single nucleotide variant.
Coding change: c.4543C>A on transcript NM_001365951.3 (MANE Select); coding-DNA position 4543, C replaced by A.
Protein change: p.Arg1515Ser; replaces arginine 1515 with serine.
Molecular consequence: missense variant.
Genome position (GRCh38, 1-based): chr1:10,365,439, C>A. VCF-style: chr1-10365439-C-A. GRCh37 (hg19) VCF-style: chr1-10425497-C-A.
Other names: c.4543C>A, p.Arg1515Ser (NM_001365952.1); c.4405C>A, p.Arg1469Ser (NM_015074.3); short protein forms R1469S, R1515S.
Identifiers: ClinVar variation 4543601 (VCV004543601.1).

ClinVar aggregate classification (germline): Uncertain significance (1 of 4 stars; one submission).

gnomAD v4.1: 1 of 1,614,156 alleles (0.000062%); highest among the groups gnomAD compares: South Asian, 0.0011%; no homozygotes.

Submission:

Ambry Genetics
Classification: Uncertain significance. Last evaluated: 2025-12-03. Review status: criteria provided, single submitter. Criteria: Ambry Variant Classification Scheme 2023. Collection method: clinical testing. Allele origin: germline.
Comment: The p.R1469S variant (also known as c.4405C>A), located in coding exon 40 of the KIF1B gene, results from a C to A substitution at nucleotide position 4405. The arginine at codon 1469 is replaced by serine, an amino acid with dissimilar properties. This amino acid position is conserved. In addition, the in silico prediction for this alteration is inconclusive. Based on the available evidence, the clinical significance of this variant remains unclear.